The following is an entry in ClinVar:

NM_003978.5(PSTPIP1):c.7C>T (p.Pro3Ser)

Gene: PSTPIP1 (proline-serine-threonine phosphatase interacting protein 1; plus strand). Cytogenetic location: 15q24.3.
Variant type: single nucleotide variant.
Coding change: c.7C>T on transcript NM_003978.5 (MANE Select); coding-DNA position 7, C replaced by T.
Protein change: p.Pro3Ser; replaces proline 3 with serine.
Molecular consequence: missense variant. On other transcripts: 5 prime UTR variant (1), non-coding transcript variant (1).
Genome position (GRCh38, 1-based): chr15:76,995,580, C>T. VCF-style: chr15-76995580-C-T. GRCh37 (hg19) VCF-style: chr15-77287921-C-T.
Other names: c.7C>T, p.Pro3Ser (NM_001321135.2); c.-240C>T (NM_001321136.2); c.202C>T, p.Pro68Ser (NM_001321137.1); short protein forms P3S, P68S.
Identifiers: ClinVar variation 374741 (VCV000374741.45), dbSNP rs1057519224, ClinGen allele CA16043873.
Genomic context (GRCh38, chr15:76,995,580, plus strand): 5'-CATCAGGCCAGCCTGTGGCAGGAGAGTGAGCTTTGCCGCGGCAGACGCCTGAGGATGATG[C>T]CCCAGCTGCAGTTCAAAGATGCCTTTTGGGTGAGTGAGGATGGTTGGGGGCACTGAACAA-3'
Protein context (NP_003969.2, residues 1-13): MM[Pro3Ser]QLQFKDAFWC

ClinVar aggregate classification (germline): Uncertain significance. Review status: criteria provided, multiple submitters, no conflicts (2 of 4 stars). 2 submissions from 2 submitters: Uncertain significance (2). Last evaluated 2025-02-10.

Conditions:
Pyogenic arthritis-pyoderma gangrenosum-acne syndrome (PAPA). Also called: PAPA SYNDROME; FAMILIAL RECURRENT ARTHRITIS. Identifiers: Orphanet 69126, MedGen C1858361, MONDO:0011462, OMIM 604416.

Allele frequency attached by ClinVar (database versions not stated): gnomAD exomes below 0.00001; TOPMed below 0.00001.
gnomAD v4.1: 3 of 1,613,816 alleles (0.00019%); highest among the groups gnomAD compares: Non-Finnish European, 0.000085%; no homozygotes.

Submissions (2):

Labcorp Genetics (formerly Invitae), Labcorp
Classification: Uncertain significance for Pyogenic arthritis-pyoderma gangrenosum-acne syndrome. Last evaluated: 2025-02-10. Review status: criteria provided, single submitter. Criteria: Invitae Variant Classification Sherloc (09022015). Collection method: clinical testing. Allele origin: germline.
Comment: This sequence change replaces proline, which is neutral and non-polar, with serine, which is neutral and polar, at codon 3 of the PSTPIP1 protein (p.Pro3Ser). This variant is not present in population databases (gnomAD no frequency). This variant has not been reported in the literature in individuals affected with PSTPIP1-related conditions. ClinVar contains an entry for this variant (Variation ID: 374741). An algorithm developed to predict the effect of missense changes on protein structure and function (PolyPhen-2) suggests that this variant is likely to be tolerated. In summary, the available evidence is currently insufficient to determine the role of this variant in disease. Therefore, it has been classified as a Variant of Uncertain Significance.

CeGaT Center for Human Genetics Tuebingen
Classification: Uncertain significance. Last evaluated: 2016-07-01. Review status: criteria provided, single submitter. Criteria: CeGaT Center For Human Genetics Tuebingen Variant Classification Criteria Version 2. Collection method: clinical testing. Allele origin: germline. Affected: yes. Observed: 1 variant allele.